The following is an entry in ClinVar:

ClinVar aggregate classification (germline): Conflicting classifications of pathogenicity. Review status: criteria provided, conflicting classifications (1 of 4 stars). 4 submissions from 4 submitters: Uncertain significance (1); Likely benign (2). 1 of the submissions does not count toward it. Last evaluated 2025-06-27.

Conditions:
TTN-related disorder. Also called: TTN-related condition; TTN-related disease; TTN-related disorders.
Cardiovascular phenotype. Identifiers: MedGen CN230736.
Dilated cardiomyopathy 1G (CMD1G). Identifiers: Orphanet 154, MedGen C1858763, MONDO:0011400, OMIM 604145.
Autosomal recessive limb-girdle muscular dystrophy type 2J (LGMDR10). Also called: MUSCULAR DYSTROPHY, LIMB-GIRDLE, AUTOSOMAL RECESSIVE 10; Limb-girdle muscular dystrophy, type 2J. Identifiers: Orphanet 140922, MedGen C1837342, MONDO:0012127, OMIM 608807.

Allele frequency attached by ClinVar (database versions not stated): gnomAD 0.00001 and 0.00002; gnomAD exomes 0.00002 and 0.00008; TOPMed 0.00003; ExAC 0.00007; 1000 Genomes Project 30x 0.00016; 1000 Genomes Project 0.00020.
gnomAD v4.1: 27 of 1,613,970 alleles (0.0017%); highest among the groups gnomAD compares: East Asian, 0.04%; no homozygotes.

Submissions (4):

Labcorp Genetics (formerly Invitae), Labcorp
Classification: Likely benign for Dilated cardiomyopathy 1G; Autosomal recessive limb-girdle muscular dystrophy type 2J. Last evaluated: 2025-06-27. Review status: criteria provided, single submitter. Criteria: Invitae Variant Classification Sherloc (09022015). Collection method: clinical testing. Allele origin: germline.

Laboratory for Molecular Medicine, Mass General Brigham Personalized Medicine
Classification: Likely benign. Last evaluated: 2020-04-20. Review status: criteria provided, single submitter. Criteria: LMM Criteria. Collection method: clinical testing. Allele origin: germline. Observed: 1 variant allele.
Comment: The p.Arg32141His variant in TTN is classified as likely benign because it has been identified in 0.09% (18/19532) of East Asian chromosomes by gnomAD. Computational prediction tools and conservation analysis do not provide strong support for or against an impact to the protein. ACMG/AMP Criteria applied: BS1.

Ambry Genetics
Classification: Uncertain significance for Cardiovascular phenotype. Last evaluated: 2018-07-24. Review status: criteria provided, single submitter. Criteria: Ambry Variant Classification Scheme 2023. Collection method: clinical testing. Allele origin: germline.
Comment: The p.R25644H variant (also known as c.76931G>A), located in coding exon 185 of the TTN gene, results from a G to A substitution at nucleotide position 76931. The arginine at codon 25644 is replaced by histidine, an amino acid with highly similar properties. This amino acid position is highly conserved in available vertebrate species; however, histidine is the reference amino acid in other vertebrate species. In addition, this alteration is predicted to be tolerated by in silico analysis. Since supporting evidence is limited at this time, the clinical significance of this alteration remains unclear.

PreventionGenetics, part of Exact Sciences
Classification: Uncertain significance for TTN-related condition. Last evaluated: 2024-05-22. Review status: no assertion criteria provided. Collection method: clinical testing. Allele origin: germline. Not counted in ClinVar's aggregate classification.
Comment: The TTN c.104126G>A variant is predicted to result in the amino acid substitution p.Arg34709His. This variant was reported in two individuals with dilated cardiomyopathy (Table S3, Mazzarotto et al. 2020. PubMed ID: 31983221). This variant is reported in 0.092% of alleles in individuals of East Asian descent in gnomAD. At this time, the clinical significance of this variant is uncertain due to the absence of conclusive functional and genetic evidence.

NM_001267550.2(TTN):c.104126G>A (p.Arg34709His)

Genes: TTN (titin; minus strand), TTN-AS1 (TTN antisense RNA 1; plus strand). Cytogenetic location: 2q31.2.
Variant type: single nucleotide variant.
Coding change: c.104126G>A on transcript NM_001267550.2 (MANE Select); coding-DNA position 104126, G replaced by A.
Protein change: p.Arg34709His; replaces arginine 34709 with histidine.
Molecular consequence: missense variant.
Genome position (GRCh38, 1-based): chr2:178,532,489, C>T on the plus strand (G>A on the coding strand, the complement: TTN is on the minus strand). VCF-style: chr2-178532489-C-T. GRCh37 (hg19) VCF-style: chr2-179397216-C-T.
Other names: c.99203G>A, p.Arg33068His (NM_001256850.1); c.76931G>A, p.Arg25644His (NM_003319.4); c.96422G>A, p.Arg32141His (NM_133378.4); c.77306G>A, p.Arg25769His (NM_133432.3); c.77507G>A, p.Arg25836His (NM_133437.4); short protein forms R25836H, R32141H, R33068H, R25644H, R25769H, R34709H.
Identifiers: ClinVar variation 698958 (VCV000698958.18), dbSNP rs574420969, ClinGen allele CA1985479.
Genomic context (GRCh38, chr2:178,532,489, plus strand): 5'-GAATACCTGAAGTCTTTTCTTGTTTCCTCCACCTTGACATGAGCTTGTGGTGAAGAGTAA[C>T]GTAGGCTAGAAAGCTCAAAGTGTGGAGGGCTTCGACTTGGGGGTGAAGCTGAAAAACCTA-3'
Protein context (NP_001254479.2, residues 34699-34719): SPPHFELSSL[Arg34709His]YSSPQAHVKV